The following is an entry in ClinVar:

ClinVar aggregate classification (germline): Pathogenic. Review status: criteria provided, multiple submitters, no conflicts (2 of 4 stars). 8 submissions from 8 submitters: Pathogenic (7). 1 of the submissions does not count toward it. Last evaluated 2026-07-08.

Conditions:
X-linked DMD-related disorders.
DMD-related disorder. Also called: DMD-related condition.
Duchenne muscular dystrophy (DMD). Also called: Duchenne Muscular Dystrophy (DMD); MUSCULAR DYSTROPHY, PSEUDOHYPERTROPHIC PROGRESSIVE, DUCHENNE TYPE. Identifiers: Orphanet 98896, MedGen C0013264, MONDO:0010679, OMIM 310200.

gnomAD v4.1: 1 of 1,207,369 alleles (0.000083%); highest among the groups gnomAD compares: Non-Finnish European, 0.00011%; no homozygotes.

Submissions (8):

PreventionGenetics, part of Exact Sciences
Classification: Pathogenic for DMD-related condition. Last evaluated: 2026-07-08. Review status: criteria provided, single submitter. Criteria: ACMG Guidelines, 2015. Collection method: clinical testing. Allele origin: germline.
Comment: The DMD c.6292C>T variant is predicted to result in premature protein termination (p.Arg2098*). This variant has been reported in many individuals with dystrophinopathy (see for example: Roberts et al. 1994. PubMed ID: 7951253; Sedlácková et al. 2009. PubMed ID: 19783145; Table S1, Cho et al. 2017. PubMed ID: 27593222; Tang et al. 2023. PubMed ID: 37254189; Table S2, Scriba et al. 2025. PubMed ID: 40571342). This variant has also been reported as a de novo mosaic variant in an individual presenting with isolated X-linked dilated cardiomyopathy (Juan-Mateu et al. 2011. PubMed ID: 22092019). Western blot analysis demonstrated an absence of dystrophin protein in patient tissue (Deburgrave et al. 2007. PubMed ID: 17041906). This variant has not been reported in a large population database (gnomAD), indicating this variant is rare; and, it is consistently classified as pathogenic in the ClinVar database (Variation ID: 11260). Nonsense variants in DMD are expected to be pathogenic. This variant is interpreted as pathogenic.

Labcorp Genetics (formerly Invitae), Labcorp
Classification: Pathogenic for Duchenne muscular dystrophy. Last evaluated: 2026-01-26. Review status: criteria provided, single submitter. Criteria: Invitae Variant Classification Sherloc (09022015). Collection method: clinical testing. Allele origin: germline.
Comment: This sequence change creates a premature translational stop signal (p.Arg2098*) in the DMD gene. It is expected to result in an absent or disrupted protein product. Loss-of-function variants in DMD are known to be pathogenic (PMID: 16770791, 25007885). This variant is not present in population databases (gnomAD no frequency). This premature translational stop signal has been observed in individuals with Duchenne muscular dystrophy (DMD) and X-linked dilated cardiomyopathy (PMID: 7951253, 9298822, 17041906, 19783145, 19937601, 23536893, 25612904). Invitae Evidence Modeling of clinical and family history, age, sex, and reported ancestry of multiple individuals with this DMD variant has been performed. This variant is expected to be pathogenic with a positive predictive value of at least 99%. This is a validated machine learning model that incorporates the clinical features of 600,801 individuals referred to our laboratory for DMD testing. This variant is also known as C6500T. ClinVar contains an entry for this variant (Variation ID: 11260). For these reasons, this variant has been classified as Pathogenic.

Variantyx, Inc.
Classification: Pathogenic for X-linked DMD-related disorders. Last evaluated: 2025-03-12. Review status: criteria provided, single submitter. Criteria: Variantyx Assertion Criteria 2022. Collection method: clinical testing. Allele origin: maternal. Affected: yes.
Comment: This is a nonsense variant in the DMD gene (OMIM: 300377). Pathogenic variants in this gene have been associated with X-linked recessive DMD-related disorders. This variant introduces a premature termination codon in exon 44 out of 79. It is expected to result in loss of function, which is a known disease mechanism for DMD in this disorder (PMID: 16770791, 25007885) (PVS1). This variant has been reported in several unrelated affected individuals (PMID: 22092019, 7951253, 23536893, 27593222, 37254189) (PS4). This variant has a 0.0002% maximum allele frequency in non-founder control populations (PM2_Supporting). Based on the current evidence, this variant is classified as pathogenic for X-linked recessive DMD-related disorders.

Revvity Omics, Revvity
Classification: Pathogenic. Last evaluated: 2023-10-02. Review status: criteria provided, single submitter. Criteria: ACMG Guidelines, 2015. Collection method: clinical testing. Allele origin: germline.

Laboratory of Medical Genetics, National & Kapodistrian University of Athens
Classification: Pathogenic for Duchenne muscular dystrophy. Last evaluated: 2022-12-16. Review status: criteria provided, single submitter. Criteria: ACMG Guidelines, 2015. Collection method: clinical testing. Allele origin: germline. Affected: yes.
Comment: PVS1, PM2, PP5

ARUP Laboratories, Molecular Genetics and Genomics, ARUP Laboratories
Classification: Pathogenic. Last evaluated: 2020-01-10. Review status: criteria provided, single submitter. Criteria: ARUP Molecular Germline Variant Investigation Process. Collection method: clinical testing. Allele origin: germline.
Comment: The DMD c.6292C>T, p.Arg2098ter variant (rs128626250) is reported in the literature in at least three individuals affected with Duchenne/Becker muscular dystrophy (Roberts 1994, Juan-Mateu 2012, Cho 2017) and has been reported to the ClinVar database as pathogenic (Variation ID: 11260). This variant is absent from general population databases (Exome Variant Server, Genome Aggregation Database), indicating it is not a common polymorphism. This variant induces an early termination codon and is predicted to result in a truncated protein or mRNA subject to nonsense-mediated decay. Computational analysis also indicated that this variant may impact splicing by creating a cryptic donor splice site at the canonical acceptor site of intron 43 (Alamut v.2.11). Based on available information, this variant is considered to be pathogenic. References: Roberts et al. Searching for the 1 in 2,400,000: a review of dystrophin gene point mutations. Hum Mutat. 1994;4(1):1-11. Juan-Mateu et al. Isolated cardiomyopathy caused by a DMD nonsense mutation in somatic mosaicism: genetic normalization in skeletal muscle. Clin Genet. 2012 Dec;82(6):574-8 Cho et al. Consecutive analysis of mutation spectrum in the dystrophin gene of 507 Korean boys with Duchenne/Becker muscular dystrophy in a single center. Muscle Nerve. 2017 May;55(5):727-734 Gene statement: Pathogenic variants in DMD are inherited in an X-linked manner and are associated with Duchenne muscular dystrophy (MIM: 310200), Becker muscular dystrophy (MIM: 300376), and dilated cardiomyopathy (MIM: 302045).

Athena Diagnostics
Classification: Pathogenic for Duchenne muscular dystrophy. Last evaluated: 2014-07-25. Review status: criteria provided, single submitter. Criteria: Athena Diagnostics Criteria. Collection method: clinical testing. Allele origin: germline. Inheritance: X-linked recessive inheritance.
Comment: X-linked recessive inheritance

OMIM
Classification: Pathogenic for DUCHENNE MUSCULAR DYSTROPHY. Last evaluated: 1994-01-01. Review status: no assertion criteria provided. Collection method: literature only. Allele origin: germline. Not counted in ClinVar's aggregate classification.

Literature cited by the submitters: PubMed 16770791 (cited by Labcorp Genetics (formerly Invitae), Labcorp); PubMed 25007885 (cited by Labcorp Genetics (formerly Invitae), Labcorp); PubMed 7951253 (cited by Labcorp Genetics (formerly Invitae), Labcorp and OMIM); PubMed 9298822 (cited by Labcorp Genetics (formerly Invitae), Labcorp and Athena Diagnostics); PubMed 17041906 (cited by Labcorp Genetics (formerly Invitae), Labcorp and Athena Diagnostics); PubMed 19783145 (cited by Labcorp Genetics (formerly Invitae), Labcorp and Athena Diagnostics); PubMed 19937601 (cited by Labcorp Genetics (formerly Invitae), Labcorp and Athena Diagnostics); PubMed 23536893 (cited by Labcorp Genetics (formerly Invitae), Labcorp and Athena Diagnostics); PubMed 25612904 (cited by Labcorp Genetics (formerly Invitae), Labcorp); PubMed 17952667 (cited by Laboratory of Medical Genetics, National & Kapodistrian University of Athens and Athena Diagnostics); PubMed 30833962 (cited by Laboratory of Medical Genetics, National & Kapodistrian University of Athens); PubMed 33101180 (cited by Laboratory of Medical Genetics, National & Kapodistrian University of Athens); PubMed 22092019 (cited by Athena Diagnostics); PubMed 7668256 (cited by Athena Diagnostics).

NM_004006.3(DMD):c.6292C>T (p.Arg2098Ter)

Gene: DMD (dystrophin; minus strand). Cytogenetic location: Xp21.1.
Variant type: single nucleotide variant.
Coding change: c.6292C>T on transcript NM_004006.3 (MANE Select); coding-DNA position 6292, C replaced by T.
Protein change: p.Arg2098Ter; replaces arginine 2098 with a stop codon.
Molecular consequence: nonsense.
Genome position (GRCh38, 1-based): chrX:32,217,062, G>A on the plus strand (C>T on the coding strand, the complement: DMD is on the minus strand). VCF-style: chrX-32217062-G-A. GRCh37 (hg19) VCF-style: chrX-32235179-G-A.
Other names: NP_003997.1:p.Arg2098*; c.6268C>T, p.Arg2090Ter (NM_000109.4); c.6280C>T, p.Arg2094Ter (NM_004009.3); c.5923C>T, p.Arg1975Ter (NM_004010.3); c.2269C>T, p.Arg757Ter (NM_004011.4); c.2260C>T, p.Arg754Ter (NM_004012.4); short protein forms R2098*, R2094*, R757*, R1975*, R2090*, R754*.
Identifiers: ClinVar variation 11260 (VCV000011260.26), dbSNP rs128626250, ClinGen allele CA273088.